The following is an entry in ClinVar:

ClinVar aggregate classification (germline): Uncertain significance (1 of 4 stars; one submission).

Submission:

GeneDx
Classification: Uncertain significance. Last evaluated: 2024-10-18. Review status: criteria provided, single submitter. Criteria: GeneDx Variant Classification Process June 2021. Collection method: clinical testing. Allele origin: germline. Affected: yes.
Comment: Not observed at significant frequency in large population cohorts (gnomAD); In silico analysis supports that this missense variant has a deleterious effect on protein structure/function; Has not been previously published as pathogenic or benign to our knowledge

NM_005639.3(SYT1):c.862G>A (p.Gly288Ser)

Gene: SYT1 (synaptotagmin 1; plus strand). Cytogenetic location: 12q21.2.
Variant type: single nucleotide variant.
Coding change: c.862G>A on transcript NM_005639.3 (MANE Select); coding-DNA position 862, G replaced by A.
Protein change: p.Gly288Ser; replaces glycine 288 with serine.
Molecular consequence: missense variant.
Genome position (GRCh38, 1-based): chr12:79,353,553, G>A. VCF-style: chr12-79353553-G-A. GRCh37 (hg19) VCF-style: chr12-79747333-G-A.
Other names: c.862G>A, p.Gly288Ser (NM_001135805.2, NM_001135806.2, NM_001415938.1 and 2 more transcripts); c.853G>A, p.Gly285Ser (NM_001291901.2, NM_001415941.1, NM_001415942.1 and 1 more transcripts); short protein forms G288S, G285S.
Identifiers: ClinVar variation 3781277 (VCV003781277.1).